The following is an entry in ClinVar:

ClinVar aggregate classification (germline): Uncertain significance (1 of 4 stars; one submission).

Conditions:
Peroxisome biogenesis disorder 12A (Zellweger). Also called: Peroxisome biogenesis disorder 12A. Identifiers: Orphanet 912, MedGen C3554002, MONDO:0013951, OMIM 614886.

Allele frequency attached by ClinVar (database versions not stated): gnomAD 0.00001; gnomAD exomes 0.00001; ExAC 0.00002; TOPMed 0.00003; ESP Exome Variant Server 0.00008.
gnomAD v4.1: 12 of 1,612,738 alleles (0.00074%); highest among the groups gnomAD compares: Non-Finnish European, 0.001%; no homozygotes.

Submission:

Labcorp Genetics (formerly Invitae), Labcorp
Classification: Uncertain significance for Peroxisome biogenesis disorder 12A (Zellweger). Last evaluated: 2022-08-09. Review status: criteria provided, single submitter. Criteria: Invitae Variant Classification Sherloc (09022015). Collection method: clinical testing. Allele origin: germline.
Comment: This sequence change replaces leucine, which is neutral and non-polar, with valine, which is neutral and non-polar, at codon 21 of the PEX19 protein (p.Leu21Val). This variant is present in population databases (rs374112351, gnomAD 0.004%). This variant has not been reported in the literature in individuals affected with PEX19-related conditions. ClinVar contains an entry for this variant (Variation ID: 1493636). Algorithms developed to predict the effect of missense changes on protein structure and function are either unavailable or do not agree on the potential impact of this missense change (SIFT: "Deleterious"; PolyPhen-2: "Benign"; Align-GVGD: "Class C0"). In summary, the available evidence is currently insufficient to determine the role of this variant in disease. Therefore, it has been classified as a Variant of Uncertain Significance.

NM_002857.4(PEX19):c.61C>G (p.Leu21Val)

Gene: PEX19 (peroxisomal biogenesis factor 19; minus strand). Cytogenetic location: 1q23.2.
Variant type: single nucleotide variant.
Coding change: c.61C>G on transcript NM_002857.4 (MANE Select); coding-DNA position 61, C replaced by G.
Protein change: p.Leu21Val; replaces leucine 21 with valine.
Molecular consequence: missense variant. On other transcripts: non-coding transcript variant (2).
Genome position (GRCh38, 1-based): chr1:160,285,064, G>C on the plus strand (C>G on the coding strand, the complement: PEX19 is on the minus strand). VCF-style: chr1-160285064-G-C. GRCh37 (hg19) VCF-style: chr1-160254854-G-C.
Other names: c.61C>G, p.Leu21Val (NM_001193644.1); short protein forms L21V.
Identifiers: ClinVar variation 1493636 (VCV001493636.5), dbSNP rs374112351, ClinGen allele CA1197505.